The following is an entry in ClinVar:

NM_080916.3(DGUOK):c.366G>C (p.Gln122His)

Gene: DGUOK (deoxyguanosine kinase; plus strand). Cytogenetic location: 2p13.1.
Variant type: single nucleotide variant.
Coding change: c.366G>C on transcript NM_080916.3 (MANE Select); coding-DNA position 366, G replaced by C.
Protein change: p.Gln122His; replaces glutamine 122 with histidine.
Molecular consequence: missense variant. On other transcripts: non-coding transcript variant (5).
Genome position (GRCh38, 1-based): chr2:73,946,829, G>C. VCF-style: chr2-73946829-G-C. GRCh37 (hg19) VCF-style: chr2-74173956-G-C.
Other names: c.366G>C, p.Gln122His (NM_001318859.2, NM_080918.3); c.75G>C, p.Gln25His (NM_001318860.2, NM_001318861.2, NM_001318862.2 and 1 more transcripts); short protein forms Q122H, Q25H.
Identifiers: ClinVar variation 337046 (VCV000337046.34), dbSNP rs199645258, ClinGen allele CA1718242.

ClinVar aggregate classification (germline): Conflicting classifications of pathogenicity. Review status: criteria provided, conflicting classifications (1 of 4 stars). 8 submissions from 8 submitters: Uncertain significance (5); Likely benign (1). 2 of the submissions do not count toward it. Last evaluated 2026-01-19.

Conditions:
Mitochondrial DNA depletion syndrome 3 (hepatocerebral type). Also called: Mitochondrial DNA depletion syndrome, hepatocerebral form due to DGUOK deficiency; MITOCHONDRIAL DNA DEPLETION SYNDROME 3; Deoxyguanosine Kinase Deficiency. Identifiers: Orphanet 279934, MedGen CN074093, MONDO:0009636, OMIM 251880.
DGUOK-related disorder. Also called: DGUOK-related condition.

Allele frequency attached by ClinVar (database versions not stated): gnomAD 0.00016 and 0.00017; gnomAD exomes 0.00017 and 0.00031; TOPMed 0.00019; ExAC 0.00022; ESP Exome Variant Server 0.00023.

Submissions (8):

Labcorp Genetics (formerly Invitae), Labcorp
Classification: Likely benign. Last evaluated: 2026-01-19. Review status: criteria provided, single submitter. Criteria: Invitae Variant Classification Sherloc (09022015). Collection method: clinical testing. Allele origin: germline.

GeneDx
Classification: Uncertain significance. Last evaluated: 2025-07-14. Review status: criteria provided, single submitter. Criteria: GeneDx Variant Classification Process June 2021. Collection method: clinical testing. Allele origin: germline. Affected: yes.
Comment: In silico analysis supports that this missense variant has a deleterious effect on protein structure/function; Has not been previously published as pathogenic or benign to our knowledge

Mayo Clinic Laboratories, Mayo Clinic
Classification: Uncertain significance. Last evaluated: 2021-12-20. Review status: criteria provided, single submitter. Criteria: ACMG Guidelines, 2015. Collection method: clinical testing. Allele origin: germline.

ARUP Laboratories, Molecular Genetics and Genomics, ARUP Laboratories
Classification: Uncertain significance. Last evaluated: 2018-05-11. Review status: criteria provided, single submitter. Criteria: ARUP Molecular Germline Variant Investigation Process. Collection method: clinical testing. Allele origin: germline.
Comment: The DGUOK c.366G>C; p.Gln122His variant (rs199645258, ClinVar variant ID 337046), to our knowledge, is not reported in the medical literature, gene specific variation databases, nor has it been previously identified by our laboratory. This variant is listed in the genome Aggregation Database (gnomAD) with an overall population frequency of 0.03% (identified on 80 out of 277,174 chromosomes). The glutamine at position 122 is highly conserved, considering 12 species, and computational analyses of the effects of the p.Gln122His variant on protein structure and function make conflicting predictions (SIFT: tolerated, PolyPhen-2: probably damaging). Based on the available information, the clinical significance of the p.Gln122His variant cannot be determined with certainty.

Illumina Laboratory Services, Illumina
Classification: Uncertain significance for Mitochondrial DNA depletion syndrome 3 (hepatocerebral type). Last evaluated: 2018-01-13. Review status: criteria provided, single submitter. Criteria: ICSL Variant Classification Criteria 13 December 2019. Collection method: clinical testing. Allele origin: germline.

Eurofins Ntd Llc (ga)
Classification: Uncertain significance. Last evaluated: 2017-03-10. Review status: criteria provided, single submitter. Criteria: EGL Classification Definitions 2015. Collection method: clinical testing. Allele origin: germline. Observed: 1 variant allele, 1 heterozygote.

PreventionGenetics, part of Exact Sciences
Classification: Likely benign for DGUOK-related condition. Last evaluated: 2022-09-20. Review status: no assertion criteria provided. Collection method: clinical testing. Allele origin: germline. Not counted in ClinVar's aggregate classification.
Comment: This variant is classified as likely benign based on ACMG/AMP sequence variant interpretation guidelines (Richards et al. 2015 PMID: 25741868, with internal and published modifications).

Department of Pathology and Laboratory Medicine, Sinai Health System
Classification: Uncertain significance. Review status: no assertion criteria provided. Collection method: clinical testing. Allele origin: unknown. Affected: yes. Study: The Canadian Open Genetics Repository (COGR). Not counted in ClinVar's aggregate classification.
Comment: The DGUOK p.Gln25His variant was identified in dbSNP (ID: rs199645258), ClinVar (classified as a VUS by Illumina, EGL Genetic Diagnostics and ARUP Laboratories), Cosmic (FATHMM predicted pathogenic; score=0.96) and LOVD 3.0 but was not found in the literature. The variant was identified in control databases in 80 of 282818 chromosomes at a frequency of 0.000283 (Genome Aggregation Database Feb 27, 2017). The variant was observed in the following populations: Ashkenazi Jewish in 65 of 10368 chromosomes (freq: 0.006269), Other in 2 of 7224 chromosomes (freq: 0.000277), European (non-Finnish) in 12 of 129160 chromosomes (freq: 0.000093) and Latino in 1 of 35424 chromosomes (freq: 0.000028); it was not observed in the African, East Asian, European (Finnish) and South Asian populations. The variant occurs outside of the splicing consensus sequence and in silico or computational prediction software programs (SpliceSiteFinder, MaxEntScan, NNSPLICE, and GeneSplicer) do not predict a difference in splicing. The p.Gln25 residue is conserved in mammals but not in more distantly related organisms and computational analyses (PolyPhen-2, SIFT, AlignGVGD, BLOSUM, and MutationTaster) provide inconsistent predictions regarding the impact to the protein; this information is not very predictive of pathogenicity. In summary, based on the above information the clinical significance of this variant cannot be determined with certainty at this time. This variant is classified as a variant of uncertain significance.